The following is an entry in ClinVar:

ClinVar aggregate classification (germline): Benign/Likely benign. Review status: criteria provided, multiple submitters, no conflicts (2 of 4 stars). 3 submissions from 3 submitters: Benign (2); Likely benign (1). Last evaluated 2026-02-03.

Conditions:
Peroxisome biogenesis disorder 2B (PBD2B). Identifiers: Orphanet 44, MedGen C3550234, MONDO:0008736, OMIM 202370.

Submissions (3):

Labcorp Genetics (formerly Invitae), Labcorp
Classification: Benign for Peroxisome biogenesis disorder 2B. Last evaluated: 2026-02-03. Review status: criteria provided, single submitter. Criteria: Invitae Variant Classification Sherloc (09022015). Collection method: clinical testing. Allele origin: germline.

Mayo Clinic Laboratories, Mayo Clinic
Classification: Benign. Last evaluated: 2025-03-31. Review status: criteria provided, single submitter. Criteria: ACMG Guidelines, 2015. Collection method: clinical testing. Allele origin: germline. Observed: 1 variant allele.
Comment: BA1

Blueprint Genetics
Classification: Likely benign. Last evaluated: 2024-05-09. Review status: criteria provided, single submitter. Criteria: ACMG Guidelines, 2015. Collection method: clinical testing. Allele origin: germline.

NM_001351132.2(PEX5):c.148-15_148-12del

Gene: PEX5 (peroxisomal biogenesis factor 5; plus strand). Cytogenetic location: 12p13.31.
Variant type: Deletion.
Coding change: c.148-15_148-12del on transcript NM_001351132.2 (MANE Select); 15 bases into the intron before coding-DNA position 148 through 12 bases into the intron before coding-DNA position 148, 4 bases deleted (GTCT; older notation c.148-15_148-12delGTCT).
Molecular consequence: intron variant.
Genome position (GRCh38, 1-based): chr12:7,190,873-7,190,876, GTCT deleted; deleting any 4 consecutive bases within chr12:7,190,870-7,190,876 gives the same sequence; the c. name uses the placement nearest the transcript's 3' end. VCF-style (leftmost placement, unchanged base first): chr12-7190869-CTCTG-C. GRCh37 (hg19) VCF-style: chr12-7343465-CTCTG-C.
Other names: p.?; c.148-15_148-12del (NM_001351124.3, NM_001131026.2, NM_001351131.2 and 19 more transcripts); c.193-15_193-12del (NM_001351135.3, NM_001131023.2, NM_001351138.2 and 1 more transcripts).
Identifiers: ClinVar variation 1164791 (VCV001164791.11), dbSNP rs774517551, ClinGen allele CA6426032.